The following is an entry in ClinVar:

NM_001395462.2(LUZP1):c.1170G>A (p.Ala390=)

Gene: LUZP1 (leucine zipper protein 1; minus strand). Cytogenetic location: 1p36.12.
Variant type: single nucleotide variant.
Coding change: c.1170G>A on transcript NM_001395462.2 (MANE Select); coding-DNA position 1170, G replaced by A.
Protein change: p.Ala390=; no amino-acid change (alanine 390 retained).
Molecular consequence: synonymous variant.
Genome position (GRCh38, 1-based): chr1:23,093,092, C>T on the plus strand (G>A on the coding strand, the complement: LUZP1 is on the minus strand). VCF-style: chr1-23093092-C-T. GRCh37 (hg19) VCF-style: chr1-23419585-C-T.
Other names: c.1170G>A, p.Ala390= (NM_001142546.4, NM_001395461.1, NM_033631.5).
Identifiers: ClinVar variation 5039348 (VCV005039348.1).

ClinVar aggregate classification (germline): Likely benign (1 of 4 stars; one submission).

gnomAD v4.1: 168 of 1,614,112 alleles (0.01%); highest among the groups gnomAD compares: African/African-American, 0.17%; no homozygotes.

Submission:

CeGaT Center for Human Genetics Tuebingen
Classification: Likely benign. Last evaluated: 2026-08-01. Review status: criteria provided, single submitter. Criteria: CeGaT Center For Human Genetics Tuebingen Variant Classification Criteria Version 2. Collection method: clinical testing. Allele origin: germline. Affected: yes. Observed: 1 variant allele.
Comment: LUZP1: BP4, BP7